The following is an entry in ClinVar:

NM_000260.4(MYO7A):c.4023C>T (p.Pro1341=)

Gene: MYO7A (myosin VIIA; plus strand). Cytogenetic location: 11q13.5.
Variant type: single nucleotide variant.
Coding change: c.4023C>T on transcript NM_000260.4 (MANE Select); coding-DNA position 4023, C replaced by T.
Protein change: p.Pro1341=; no amino-acid change (proline 1341 retained).
Molecular consequence: synonymous variant.
Genome position (GRCh38, 1-based): chr11:77,192,149, C>T. VCF-style: chr11-77192149-C-T. GRCh37 (hg19) VCF-style: chr11-76903194-C-T.
Other names: p.Pro1341=; c.4023C>T, p.Pro1341= (NM_001127180.2); c.3990C>T, p.Pro1330= (NM_001369365.1).
Identifiers: ClinVar variation 43231 (VCV000043231.22), dbSNP rs73495790, ClinGen allele CA132313.

ClinVar aggregate classification (germline): Benign/Likely benign. Review status: criteria provided, multiple submitters, no conflicts (2 of 4 stars). 9 submissions from 7 submitters: Benign (4); Likely benign (4). 1 of the submissions does not count toward it. Last evaluated 2026-02-04.

Conditions:
Usher syndrome type 1 (USH1). Also called: RETINITIS PIGMENTOSA AND CONGENITAL DEAFNESS. Identifiers: Orphanet 231169, Orphanet 886, MedGen C1568247, MONDO:0010168, OMIM 276900.
Usher syndrome type 1B (USH1B). Also called: Usher syndrome type IB. Identifiers: MedGen C1848638, MONDO:0700087.
Autosomal dominant nonsyndromic hearing loss 11. Identifiers: Orphanet 90635, MedGen C1832475, MONDO:0011032, OMIM 601317.
Autosomal recessive nonsyndromic hearing loss 2. Also called: DEAFNESS, AUTOSOMAL RECESSIVE 2; NEUROSENSORY NONSYNDROMIC RECESSIVE DEAFNESS 2. Identifiers: Orphanet 90636, MedGen C1838701, MONDO:0010807, OMIM 600060.

Allele frequency attached by ClinVar (database versions not stated): gnomAD exomes 0.00187 and 0.00480; ExAC 0.00599; ESP Exome Variant Server 0.01791; 1000 Genomes Project 0.01937; gnomAD 0.01973 and 0.02130; 1000 Genomes Project 30x 0.02061; TOPMed 0.02206.
gnomAD v4.1: 5,895 of 1,613,982 alleles (0.37%); highest among the groups gnomAD compares: African/African-American, 6.9%; 191 homozygotes.

Submissions (9):

Labcorp Genetics (formerly Invitae), Labcorp
Classification: Benign. Last evaluated: 2026-02-04. Review status: criteria provided, single submitter. Criteria: Invitae Variant Classification Sherloc (09022015). Collection method: clinical testing. Allele origin: germline.

Mayo Clinic Laboratories, Mayo Clinic
Classification: Benign. Last evaluated: 2022-04-17. Review status: criteria provided, single submitter. Criteria: ACMG Guidelines, 2015. Collection method: clinical testing. Allele origin: germline. Observed: 3 variant alleles.

GeneDx
Classification: Benign. Last evaluated: 2017-12-18. Review status: criteria provided, single submitter. Criteria: GeneDx Variant Classification (06012015). Collection method: clinical testing. Allele origin: germline. Affected: yes.
Comment: This variant is considered likely benign or benign based on one or more of the following criteria: it is a conservative change, it occurs at a poorly conserved position in the protein, it is predicted to be benign by multiple in silico algorithms, and/or has population frequency not consistent with disease.

Illumina Laboratory Services, Illumina
Classification: Likely benign for Autosomal recessive nonsyndromic hearing loss 2. Last evaluated: 2017-04-27. Review status: criteria provided, single submitter. Criteria: ICSL Variant Classification Criteria 13 December 2019. Collection method: clinical testing. Allele origin: germline.
Comment: This variant was observed as part of a predisposition screen in an ostensibly healthy population. A literature search was performed for the gene, cDNA change, and amino acid change (where applicable). No publications were found based on this search. Allele frequency data from public databases allowed determination this variant is unlikely to cause disease. Therefore, this variant is classified as likely benign.

Illumina Laboratory Services, Illumina
Classification: Likely benign for Usher syndrome type 1. Last evaluated: 2017-04-27. Review status: criteria provided, single submitter. Criteria: ICSL Variant Classification Criteria 13 December 2019. Collection method: clinical testing. Allele origin: germline.
Comment: This variant was observed as part of a predisposition screen in an ostensibly healthy population. A literature search was performed for the gene, cDNA change, and amino acid change (where applicable). Publications were found based on this search. The evidence from the literature, in combination with allele frequency data from public databases where available, was sufficient to determine this variant is unlikely to cause disease. Therefore, this variant is classified as likely benign.

Illumina Laboratory Services, Illumina
Classification: Likely benign for Autosomal dominant nonsyndromic hearing loss 11. Last evaluated: 2017-04-27. Review status: criteria provided, single submitter. Criteria: ICSL Variant Classification Criteria 13 December 2019. Collection method: clinical testing. Allele origin: germline.
Comment: the same text as in the submission from Illumina Laboratory Services, Illumina above.

Laboratory for Molecular Medicine, Mass General Brigham Personalized Medicine
Classification: Benign. Last evaluated: 2010-12-20. Review status: criteria provided, single submitter. Criteria: LMM Criteria. Collection method: clinical testing. Allele origin: germline. Observed: 30 variant alleles.
Comment: Pro1341Pro in exon 31 of MYO7A: This variant is not expected to have clinical si gnificance because it does not alter an amino acid residue, is not located near a splice junction and is listed in dbSNP in 2/50 chromosomes plus 2 additional c ontrol submissions (rs73495790). In addition, this variant has previously been r eported as benign (Jaijo 2007) and has been observed in our laboratory in 10% of Black and/or Hispanic cases.

Breakthrough Genomics
Classification: Likely benign. Review status: criteria provided, single submitter. Criteria: ACMG Guidelines, 2015. Collection method: not provided. Allele origin: germline. Inheritance: Autosomal recessive inheritance. Affected: yes.

Natera, Inc.
Classification: Benign for Usher syndrome type 1B. Last evaluated: 2020-09-16. Review status: no assertion criteria provided. Collection method: clinical testing. Allele origin: germline. Not counted in ClinVar's aggregate classification.

Literature cited by the submitters: PubMed 17361009 (cited by Illumina Laboratory Services, Illumina and Laboratory for Molecular Medicine, Mass General Brigham Personalized Medicine); PubMed 20146813 (cited by Laboratory for Molecular Medicine, Mass General Brigham Personalized Medicine).